The following is an entry in ClinVar:

ClinVar aggregate classification (germline): Likely benign (0 of 4 stars; one submission).

Conditions:
SLC51A-related disorder. Also called: SLC51A-related condition.

gnomAD v4.1: 126 of 1,614,084 alleles (0.0078%); highest among the groups gnomAD compares: African/African-American, 0.08%; no homozygotes.

Submission:

PreventionGenetics, part of Exact Sciences
Classification: Likely benign for SLC51A-related condition. Last evaluated: 2024-05-14. Review status: no assertion criteria provided. Collection method: clinical testing. Allele origin: germline.
Comment: This variant is classified as likely benign based on ACMG/AMP sequence variant interpretation guidelines (Richards et al. 2015 PMID: 25741868, with internal and published modifications).

NM_152672.6(SLC51A):c.441G>A (p.Thr147=)

Gene: SLC51A (solute carrier family 51 member A; plus strand). Cytogenetic location: 3q29.
Variant type: single nucleotide variant.
Coding change: c.441G>A on transcript NM_152672.6 (MANE Select); coding-DNA position 441, G replaced by A.
Protein change: p.Thr147=; no amino-acid change (threonine 147 retained).
Molecular consequence: synonymous variant.
Genome position (GRCh38, 1-based): chr3:196,228,193, G>A. VCF-style: chr3-196228193-G-A. GRCh37 (hg19) VCF-style: chr3-195955064-G-A.
Identifiers: ClinVar variation 3350757 (VCV003350757.1).